The following is an entry in ClinVar:

ClinVar aggregate classification (germline): Pathogenic/Likely pathogenic. Review status: criteria provided, multiple submitters, no conflicts (2 of 4 stars). 3 submissions from 3 submitters: Pathogenic (1); Likely pathogenic (2). Last evaluated 2023-12-20.

Conditions:
Stickler syndrome type 1 (STL1). Also called: ARTHROOPHTHALMOPATHY, HEREDITARY PROGRESSIVE; COL2A1-Related Stickler Syndrome; STICKLER SYNDROME, MEMBRANOUS VITREOUS TYPE; STICKLER SYNDROME, VITREOUS TYPE 1. Identifiers: Orphanet 828, Orphanet 90653, MedGen C2020284, MONDO:0007160, OMIM 108300.
COL2A1-related disorder. Also called: COL2A1-related condition; COL2A1-related disorders.

Submissions (3):

3billion
Classification: Pathogenic for Stickler syndrome type 1. Last evaluated: 2023-12-20. Review status: criteria provided, single submitter. Criteria: ACMG Guidelines, 2015. Collection method: clinical testing. Allele origin: germline. Affected: yes.
Comment: The variant is not observed in the gnomAD v2.1.1 dataset. Predicted Consequence/Location: Canonical splice site: predicted to alter splicing and result in a loss or disruption of normal protein function. Multiple pathogenic loss-of-function variants are reported downstream of the variant. In silico tools predict the variant to alter splicing and produce an abnormal transcript [Splice AI: 0.99 (spliceogenicity >=0.2, non-spliceogenicity <0.1)]. The variant has been reported to be associated with COL2A1 related disorder (ClinVar ID: VCV002631370). Therefore, this variant is classified as Likely pathogenic according to the recommendation of ACMG/AMP guideline.

PreventionGenetics, part of Exact Sciences
Classification: Likely pathogenic for COL2A1-related condition. Last evaluated: 2023-07-11. Review status: criteria provided, single submitter. Criteria: ACMG Guidelines, 2015. Collection method: clinical testing. Allele origin: germline.
Comment: The COL2A1 c.309+1G>A variant is predicted to disrupt the GT donor site and interfere with normal splicing. To our knowledge, this variant has not been reported in the literature or in a large population database, indicating this variant is rare. Variants that disrupt the consensus splice donor site in COL2A1 are expected to be pathogenic. This variant is interpreted as likely pathogenic.

Blueprint Genetics
Classification: Likely pathogenic for COL2A1-related disorders. Last evaluated: 2019-02-01. Review status: criteria provided, single submitter. Criteria: ACMG Guidelines, 2015. Collection method: clinical testing. Allele origin: germline. Affected: yes. Observed: 1 variant allele.

NM_001844.5(COL2A1):c.309+1G>A

Gene: COL2A1 (collagen type II alpha 1 chain; minus strand). Cytogenetic location: 12q13.11.
Variant type: single nucleotide variant.
Coding change: c.309+1G>A on transcript NM_001844.5 (MANE Select); the canonical splice donor site of the intron after coding-DNA position 309, G replaced by A.
Molecular consequence: splice donor variant.
Genome position (GRCh38, 1-based): chr12:47,998,414, C>T on the plus strand (G>A on the coding strand, the complement: COL2A1 is on the minus strand). VCF-style: chr12-47998414-C-T. GRCh37 (hg19) VCF-style: chr12-48392197-C-T.
Other names: c.102+1G>A (NM_033150.3).
Identifiers: ClinVar variation 2631370 (VCV002631370.3), dbSNP rs2540183519, ClinGen allele CA384525522.
Genomic context (GRCh38, chr12:47,998,414, plus strand): 5'-TTTGAAGCAGAAAATATAAAGCCAAAAAAATATGAAAAAAGAAAAAGAAGAAAGCCCTTA[C>T]CTTTGGTCCTGGTTGCCCTGCAAGGGAAAAAATATAGAGAAGAAGAAGGTAAGAATCTTG-3'